The following is an entry in ClinVar:

NM_014244.5(ADAMTS2):c.1239-12C>T

Gene: ADAMTS2 (ADAM metallopeptidase with thrombospondin type 1 motif 2; minus strand). Cytogenetic location: 5q35.3.
Variant type: single nucleotide variant.
Coding change: c.1239-12C>T on transcript NM_014244.5 (MANE Select); 12 bases into the intron before coding-DNA position 1239, C replaced by T.
Molecular consequence: intron variant.
Genome position (GRCh38, 1-based): chr5:179,154,204, G>A on the plus strand (C>T on the coding strand, the complement: ADAMTS2 is on the minus strand). VCF-style: chr5-179154204-G-A. GRCh37 (hg19) VCF-style: chr5-178581205-G-A.
Other names: c.1239-12C>T (NM_021599.4).
Identifiers: ClinVar variation 508738 (VCV000508738.4), dbSNP rs772989447, ClinGen allele CA3595986.

ClinVar aggregate classification (germline): Likely benign. Review status: criteria provided, multiple submitters, no conflicts (2 of 4 stars). 2 submissions from 2 submitters: Likely benign (2). Last evaluated 2026-01-27.

Conditions:
Ehlers-Danlos syndrome, dermatosparaxis type. Also called: Ehlers-Danlos syndrome, type VII, autosomal recessive; Dermatosparaxis; EDS VIIC. Identifiers: Orphanet 1901, MedGen C2700425, MONDO:0009161, OMIM 225410.

Allele frequency attached by ClinVar (database versions not stated): gnomAD exomes 0.00003 and 0.00005; TOPMed 0.00006; gnomAD 0.00007; ExAC 0.00012.
gnomAD v4.1: 78 of 1,544,942 alleles (0.005%); highest among the groups gnomAD compares: African/African-American, 0.02%; no homozygotes.

Submissions (2):

Labcorp Genetics (formerly Invitae), Labcorp
Classification: Likely benign for Ehlers-Danlos syndrome, dermatosparaxis type. Last evaluated: 2026-01-27. Review status: criteria provided, single submitter. Criteria: Invitae Variant Classification Sherloc (09022015). Collection method: clinical testing. Allele origin: germline.

GeneDx
Classification: Likely benign. Last evaluated: 2017-04-11. Review status: criteria provided, single submitter. Criteria: GeneDx Variant Classification (06012015). Collection method: clinical testing. Allele origin: germline. Affected: yes.
Comment: This variant is considered likely benign or benign based on one or more of the following criteria: it is a conservative change, it occurs at a poorly conserved position in the protein, it is predicted to be benign by multiple in silico algorithms, and/or has population frequency not consistent with disease.